The following is an entry in ClinVar:

NM_003676.4(DEGS1):c.582C>G (p.Val194=)

Gene: DEGS1 (delta 4-desaturase, sphingolipid 1; plus strand). Cytogenetic location: 1q42.11.
Variant type: single nucleotide variant.
Coding change: c.582C>G on transcript NM_003676.4 (MANE Select); coding-DNA position 582, C replaced by G.
Protein change: p.Val194=; no amino-acid change (valine 194 retained).
Molecular consequence: synonymous variant.
Genome position (GRCh38, 1-based): chr1:224,190,076, C>G. VCF-style: chr1-224190076-C-G. GRCh37 (hg19) VCF-style: chr1-224377778-C-G.
Other names: c.582C>G, p.Val194= (NM_001321541.2); c.474C>G, p.Val158= (NM_001321542.2); c.582C>G (NM_003676.3).
Identifiers: ClinVar variation 1599986 (VCV001599986.9), dbSNP rs776185644, ClinGen allele CA1413658.

ClinVar aggregate classification (germline): Benign. Review status: criteria provided, single submitter (1 of 4 stars). 2 submissions from 2 submitters: Benign (1). 1 of the submissions does not count toward it. Last evaluated 2026-01-19.

Conditions:
DEGS1-related disorder. Also called: DEGS1-related condition.

Allele frequency attached by ClinVar (database versions not stated): gnomAD 0.00005; gnomAD exomes 0.00005 and 0.00025; TOPMed 0.00014; ExAC 0.00017.
gnomAD v4.1: 78 of 1,613,762 alleles (0.0048%); highest among the groups gnomAD compares: Admixed American, 0.13%; no homozygotes.

Submissions (2):

Labcorp Genetics (formerly Invitae), Labcorp
Classification: Benign. Last evaluated: 2026-01-19. Review status: criteria provided, single submitter. Criteria: Invitae Variant Classification Sherloc (09022015). Collection method: clinical testing. Allele origin: germline.

PreventionGenetics, part of Exact Sciences
Classification: Likely benign for DEGS1-related condition. Last evaluated: 2024-08-10. Review status: no assertion criteria provided. Collection method: clinical testing. Allele origin: germline. Not counted in ClinVar's aggregate classification.
Comment: This variant is classified as likely benign based on ACMG/AMP sequence variant interpretation guidelines (Richards et al. 2015 PMID: 25741868, with internal and published modifications).